The following is an entry in ClinVar:

NM_018124.4(RFWD3):c.514G>A (p.Ala172Thr)

Gene: RFWD3 (ring finger and WD repeat domain 3; minus strand). Cytogenetic location: 16q23.1.
Variant type: single nucleotide variant.
Coding change: c.514G>A on transcript NM_018124.4 (MANE Select); coding-DNA position 514, G replaced by A.
Protein change: p.Ala172Thr; replaces alanine 172 with threonine.
Molecular consequence: missense variant. On other transcripts: 5 prime UTR variant (4), intron variant (1).
Genome position (GRCh38, 1-based): chr16:74,660,936, C>T on the plus strand (G>A on the coding strand, the complement: RFWD3 is on the minus strand). VCF-style: chr16-74660936-C-T. GRCh37 (hg19) VCF-style: chr16-74694834-C-T.
Other names: c.514G>A, p.Ala172Thr (NM_001370534.1, NM_001370535.1, NM_001370536.1); c.-495G>A (NM_001370537.1); c.-118G>A (NM_001370539.1); c.-372G>A (NM_001370542.1); c.-250G>A (NM_001370543.1); c.-317+3688G>A (NM_001370540.1); short protein forms A172T.
Identifiers: ClinVar variation 3675611 (VCV003675611.2).

ClinVar aggregate classification (germline): Uncertain significance (1 of 4 stars; one submission).

gnomAD v4.1: 11 of 1,610,810 alleles (0.00068%); highest among the groups gnomAD compares: Middle Eastern, 0.066%; no homozygotes.

Submission:

Labcorp Genetics (formerly Invitae), Labcorp
Classification: Uncertain significance. Last evaluated: 2024-11-25. Review status: criteria provided, single submitter. Criteria: Invitae Variant Classification Sherloc (09022015). Collection method: clinical testing. Allele origin: germline.
Comment: This sequence change replaces alanine, which is neutral and non-polar, with threonine, which is neutral and polar, at codon 172 of the RFWD3 protein (p.Ala172Thr). This variant is present in population databases (no rsID available, gnomAD 0.003%). This variant has not been reported in the literature in individuals affected with RFWD3-related conditions. An algorithm developed to predict the effect of missense changes on protein structure and function outputs the following: PolyPhen-2: "Benign". The threonine amino acid residue is found in multiple mammalian species, which suggests that this missense change does not adversely affect protein function. In summary, the available evidence is currently insufficient to determine the role of this variant in disease. Therefore, it has been classified as a Variant of Uncertain Significance.